The following is an entry in ClinVar:

ClinVar aggregate classification (germline): Conflicting classifications of pathogenicity. Review status: criteria provided, conflicting classifications (1 of 4 stars). 2 submissions from 2 submitters: Likely pathogenic (1); Uncertain significance (1). Last evaluated 2023-09-22.

Conditions:
DiGeorge syndrome. Also called: THIRD AND FOURTH PHARYNGEAL POUCH SYNDROME; Catch22. Identifiers: Orphanet 567, MedGen C0012236, MONDO:0008564, OMIM 188400.

Submissions (2):

Labcorp Genetics (formerly Invitae), Labcorp
Classification: Uncertain significance for DiGeorge syndrome. Last evaluated: 2023-09-22. Review status: criteria provided, single submitter. Criteria: Invitae Variant Classification Sherloc (09022015). Collection method: clinical testing. Allele origin: germline.
Comment: This variant is not present in population databases (gnomAD no frequency). This sequence change replaces lysine, which is basic and polar, with asparagine, which is neutral and polar, at codon 285 of the TBX1 protein (p.Lys285Asn). This variant has not been reported in the literature in individuals affected with TBX1-related conditions. ClinVar contains an entry for this variant (Variation ID: 1676577). Advanced modeling of protein sequence and biophysical properties (such as structural, functional, and spatial information, amino acid conservation, physicochemical variation, residue mobility, and thermodynamic stability) performed at Invitae indicates that this missense variant is expected to disrupt TBX1 protein function. In summary, the available evidence is currently insufficient to determine the role of this variant in disease. Therefore, it has been classified as a Variant of Uncertain Significance.

Greenwood Genetic Center Diagnostic Laboratories, Greenwood Genetic Center
Classification: Likely pathogenic for DiGeorge syndrome. Last evaluated: 2022-02-09. Review status: criteria provided, single submitter. Criteria: ACMG Guidelines, 2015. Collection method: clinical testing. Allele origin: germline. Affected: yes.
Comment: PS2, PM2, PP3

NM_001379200.1(TBX1):c.882G>C (p.Lys294Asn)

Gene: TBX1 (T-box transcription factor 1; plus strand). Cytogenetic location: 22q11.21.
Variant type: single nucleotide variant.
Coding change: c.882G>C on transcript NM_001379200.1 (MANE Select); coding-DNA position 882, G replaced by C.
Protein change: p.Lys294Asn; replaces lysine 294 with asparagine.
Molecular consequence: missense variant.
Genome position (GRCh38, 1-based): chr22:19,765,772, G>C. VCF-style: chr22-19765772-G-C. GRCh37 (hg19) VCF-style: chr22-19753295-G-C.
Other names: c.855G>C, p.Lys285Asn (NM_005992.1, NM_080646.2, NM_080647.1); short protein forms K285N, K294N.
Identifiers: ClinVar variation 1676577 (VCV001676577.6), dbSNP rs2145836461, ClinGen allele CA410683608.